The following is an entry in ClinVar:

ClinVar aggregate classification (germline): Pathogenic (1 of 4 stars; one submission).

Conditions:
Familial cancer of breast. Also called: hereditary breast carcinoma; BREAST CANCER, FAMILIAL; Hereditary breast cancer. Identifiers: Orphanet 227535, MedGen C0346153, MONDO:0016419, OMIM 114480. Disease mechanism: loss of function.

Submission:

Labcorp Genetics (formerly Invitae), Labcorp
Classification: Pathogenic for Familial cancer of breast. Last evaluated: 2022-03-13. Review status: criteria provided, single submitter. Criteria: Invitae Variant Classification Sherloc (09022015). Collection method: clinical testing. Allele origin: germline.
Comment: This sequence change creates a premature translational stop signal (p.Phe125Leufs*6) in the CHEK2 gene. It is expected to result in an absent or disrupted protein product. Loss-of-function variants in CHEK2 are known to be pathogenic (PMID: 21876083, 24713400). For these reasons, this variant has been classified as Pathogenic. This variant has not been reported in the literature in individuals affected with CHEK2-related conditions. This variant is not present in population databases (gnomAD no frequency).

Literature cited by the submitters: PubMed 21876083; PubMed 24713400.

NM_007194.4(CHEK2):c.375del (p.Phe125fs)

Gene: CHEK2 (checkpoint kinase 2; minus strand). Cytogenetic location: 22q12.1.
Variant type: Deletion.
Coding change: c.375del on transcript NM_007194.4 (MANE Select); coding-DNA position 375, one base deleted (T; older notation c.375delT).
Protein change: p.Phe125fs; shifts the reading frame from phenylalanine 125.
Molecular consequence: frameshift variant.
Genome position (GRCh38, 1-based): chr22:28,725,312, A deleted on the plus strand (T on the coding strand, the reverse complement: CHEK2 is on the minus strand); the first of 3 consecutive A bases (chr22:28,725,312-28,725,314); deleting any one gives the same sequence. VCF-style (leftmost placement, unchanged base first): chr22-28725311-CA-C. GRCh37 (hg19) VCF-style: chr22-29121299-CA-C.
Other names: c.502delT, p.Phe168Leufs (NM_001005735.3); c.-405delT (NM_001257387.3); c.373delT, p.Phe125Leufs (NM_001349956.3, NM_145862.3); short protein forms F168fs, F125fs.
Identifiers: ClinVar variation 2110978 (VCV002110978.4), dbSNP rs2518059961, ClinGen allele CA2580099519.
Genomic context (GRCh38, chr22:28,725,311, plus strand): 5'-TCCGAAAGTGTTTCTTGCTGTATGTTCGGTATTTATCTGTTCTTTTCAGCAGTGGTTCAT[CA>C]AAGCAATATTCACAGCTTTTGTCCCTCCCAAACCAGTAGTTGTCATTCACACATTCTGTA-3'